The following is an entry in ClinVar:

ClinVar aggregate classification (germline): Uncertain significance (1 of 4 stars; one submission).

Allele frequency attached by ClinVar (database versions not stated): gnomAD exomes below 0.00001; TOPMed 0.00001; gnomAD 0.00001.
gnomAD v4.1: 37 of 1,604,300 alleles (0.0023%); highest among the groups gnomAD compares: Non-Finnish European, 0.0031%; no homozygotes.

Submission:

Labcorp Genetics (formerly Invitae), Labcorp
Classification: Uncertain significance. Last evaluated: 2021-09-01. Review status: criteria provided, single submitter. Criteria: Invitae Variant Classification Sherloc (09022015). Collection method: clinical testing. Allele origin: germline.
Comment: This sequence change replaces threonine with isoleucine at codon 47 of the WHRN protein (p.Thr47Ile). The threonine residue is moderately conserved and there is a moderate physicochemical difference between threonine and isoleucine. This variant is not present in population databases (ExAC no frequency). This variant has not been reported in the literature in individuals affected with WHRN-related conditions. Algorithms developed to predict the effect of missense changes on protein structure and function are either unavailable or do not agree on the potential impact of this missense change (SIFT: "Tolerated"; PolyPhen-2: "Possibly Damaging"; Align-GVGD: "Class C0"). In summary, the available evidence is currently insufficient to determine the role of this variant in disease. Therefore, it has been classified as a Variant of Uncertain Significance.

NM_015404.4(WHRN):c.140C>T (p.Thr47Ile)

Gene: WHRN (whirlin; minus strand). Cytogenetic location: 9q32.
Variant type: single nucleotide variant.
Coding change: c.140C>T on transcript NM_015404.4 (MANE Select); coding-DNA position 140, C replaced by T.
Protein change: p.Thr47Ile; replaces threonine 47 with isoleucine.
Molecular consequence: missense variant.
Genome position (GRCh38, 1-based): chr9:114,504,662, G>A on the plus strand (C>T on the coding strand, the complement: WHRN is on the minus strand). VCF-style: chr9-114504662-G-A. GRCh37 (hg19) VCF-style: chr9-117266942-G-A.
Other names: c.140C>T, p.Thr47Ile (NM_001173425.2); short protein forms T47I.
Identifiers: ClinVar variation 1025698 (VCV001025698.6), dbSNP rs1282235356, ClinGen allele CA374614064.
Genomic context (GRCh38, chr9:114,504,662, plus strand): 5'-GCGTGGTAAGCGTTCAGGCAGTGGGTGAACTGCTCCCGCTCCGCCTCGCTCAGCAGCGCG[G>A]TCAGCGCTTGGTGCAGCTGGCGCACGTTGGCAGACAGTAACCGCAGCCCCGCGCCCCCGC-3'
Protein context (NP_056219.3, residues 37-57): ANVRQLHQAL[Thr47Ile]ALLSEAEREQ